The following is an entry in ClinVar:

ClinVar aggregate classification (germline): Uncertain significance (1 of 4 stars; one submission).

Submission:

GeneDx
Classification: Uncertain significance. Last evaluated: 2025-04-28. Review status: criteria provided, single submitter. Criteria: GeneDx Variant Classification Process June 2021. Collection method: clinical testing. Allele origin: germline. Affected: yes.
Comment: Not observed at significant frequency in large population cohorts (gnomAD); In silico analysis supports a deleterious effect on protein structure/function; Has not been previously published as pathogenic or benign to our knowledge

NM_014975.3(MAST1):c.4096_4097delinsAA (p.Ala1366Asn)

Gene: MAST1 (microtubule associated serine/threonine kinase 1; plus strand). Cytogenetic location: 19p13.13.
Variant type: Indel.
Coding change: c.4096_4097delinsAA on transcript NM_014975.3 (MANE Select); coding-DNA positions 4096 to 4097, GC replaced by AA.
Protein change: p.Ala1366Asn; replaces alanine 1366 with asparagine.
Molecular consequence: missense variant.
Genome position (GRCh38, 1-based): chr19:12,874,253-12,874,254, GC replaced by AA. VCF-style: chr19-12874253-GC-AA. GRCh37 (hg19) VCF-style: chr19-12985067-GC-AA.
Other names: short protein forms A1366N.
Identifiers: ClinVar variation 4527745 (VCV004527745.1).